The following is an entry in ClinVar:

NM_004082.5(DCTN1):c.3643C>G (p.Pro1215Ala)

Gene: DCTN1 (dynactin subunit 1; minus strand). Cytogenetic location: 2p13.1.
Variant type: single nucleotide variant.
Coding change: c.3643C>G on transcript NM_004082.5 (MANE Select); coding-DNA position 3643, C replaced by G.
Protein change: p.Pro1215Ala; replaces proline 1215 with alanine.
Molecular consequence: missense variant. On other transcripts: non-coding transcript variant (1).
Genome position (GRCh38, 1-based): chr2:74,362,108, G>C on the plus strand (C>G on the coding strand, the complement: DCTN1 is on the minus strand). VCF-style: chr2-74362108-G-C. GRCh37 (hg19) VCF-style: chr2-74589235-G-C.
Other names: c.3568C>G, p.Pro1190Ala (NM_001135040.3); c.3226C>G, p.Pro1076Ala (NM_001135041.3); c.3517C>G, p.Pro1173Ala (NM_001190836.2); c.3622C>G, p.Pro1208Ala (NM_001190837.2); c.3592C>G, p.Pro1198Ala (NM_001378991.1); c.3574C>G, p.Pro1192Ala (NM_001378992.1); c.3241C>G, p.Pro1081Ala (NM_023019.4); short protein forms P1081A, P1173A, P1215A, P1076A, P1208A, P1190A, P1192A, P1198A.
Identifiers: ClinVar variation 536181 (VCV000536181.18), dbSNP rs184147813, ClinGen allele CA1721404.

ClinVar aggregate classification (germline): Benign/Likely benign. Review status: criteria provided, multiple submitters, no conflicts (2 of 4 stars). 5 submissions from 4 submitters: Benign (2); Likely benign (2). 1 of the submissions does not count toward it. Last evaluated 2026-01-19.

Conditions:
DCTN1-related disorder. Also called: DCTN1-related condition.
Amyotrophic lateral sclerosis type 1 (ALS1). Also called: AMYOTROPHIC LATERAL SCLEROSIS 1, FAMILIAL. Identifiers: Orphanet 803, MedGen C1862939, MONDO:0007103, OMIM 105400.
Neuronopathy, distal hereditary motor, type 7B. Also called: HMN VIIB; LOWER MOTOR NEURON DISEASE, DYNACTIN TYPE; Distal Hereditary Motor Neuronopathy Type 7B (dHMN7B); NEURONOPATHY, DISTAL HEREDITARY MOTOR, AUTOSOMAL DOMINANT 14; NEURONOPATHY, DISTAL HEREDITARY MOTOR, HARDING TYPE VIIB; NEUROPATHY, DISTAL HEREDITARY MOTOR, HARDING TYPE VIIB. Identifiers: Orphanet 139589, MedGen C1843315, MONDO:0011879, OMIM 607641.
Perry syndrome. Also called: PARKINSONISM WITH ALVEOLAR HYPOVENTILATION AND MENTAL DEPRESSION. Identifiers: Orphanet 178509, MedGen C1868594, MONDO:0008201, OMIM 168605.
Inborn genetic diseases. Identifiers: MedGen C0950123, MeSH D030342.

Allele frequency attached by ClinVar (database versions not stated): gnomAD exomes 0.00005 and 0.00011; ExAC 0.00012; ESP Exome Variant Server 0.00015; gnomAD 0.00051; TOPMed 0.00061; 1000 Genomes Project 0.00080; 1000 Genomes Project 30x 0.00125.
gnomAD v4.1: 150 of 1,613,864 alleles (0.0093%); highest among the groups gnomAD compares: African/African-American, 0.17%; no homozygotes.

Submissions (5):

Labcorp Genetics (formerly Invitae), Labcorp
Classification: Likely benign for Amyotrophic lateral sclerosis type 1; Neuronopathy, distal hereditary motor, type 7B; Perry syndrome. Last evaluated: 2026-01-19. Review status: criteria provided, single submitter. Criteria: Invitae Variant Classification Sherloc (09022015). Collection method: clinical testing. Allele origin: germline.

Ambry Genetics
Classification: Likely benign for Inborn genetic diseases. Last evaluated: 2020-12-11. Review status: criteria provided, single submitter. Criteria: Ambry Variant Classification Scheme 2023. Collection method: clinical testing. Allele origin: germline.

Illumina Laboratory Services, Illumina
Classification: Benign for Neuronopathy, distal hereditary motor, type 7B. Last evaluated: 2018-01-12. Review status: criteria provided, single submitter. Criteria: ICSL Variant Classification Criteria 13 December 2019. Collection method: clinical testing. Allele origin: germline.
Comment: This variant was observed in the ICSL laboratory as part of a predisposition screen in an ostensibly healthy population. It had not been previously curated by ICSL or reported in the Human Gene Mutation Database (HGMD: prior to June 1st, 2018), and was therefore a candidate for classification through an automated scoring system. Utilizing variant allele frequency, disease prevalence and penetrance estimates, and inheritance mode, an automated score was calculated to assess if this variant is too frequent to cause the disease. Based on the score and internal cut-off values, a variant classified as benign is not then subjected to further curation. The score for this variant resulted in a classification of benign for this disease.

Illumina Laboratory Services, Illumina
Classification: Benign for Perry syndrome. Last evaluated: 2018-01-12. Review status: criteria provided, single submitter. Criteria: ICSL Variant Classification Criteria 13 December 2019. Collection method: clinical testing. Allele origin: germline.
Comment: the same text as in the submission from Illumina Laboratory Services, Illumina above.

PreventionGenetics, part of Exact Sciences
Classification: Likely benign for DCTN1-related condition. Last evaluated: 2022-08-24. Review status: no assertion criteria provided. Collection method: clinical testing. Allele origin: germline. Not counted in ClinVar's aggregate classification.
Comment: This variant is classified as likely benign based on ACMG/AMP sequence variant interpretation guidelines (Richards et al. 2015 PMID: 25741868, with internal and published modifications).